The following is an entry in ClinVar:

ClinVar aggregate classification (germline): Uncertain significance (1 of 4 stars; one submission).

Conditions:
Myoclonic dystonia 11 (DYT11). Also called: DYT-SGCE; Myoclonic dystonia; Dystonia 11; Dystonia, alcohol responsive; Hereditary essential myoclonus; SGCE Myoclonus-Dystonia. Identifiers: Orphanet 36899, MedGen C1834570, MONDO:0008044, OMIM 159900.

Submission:

Labcorp Genetics (formerly Invitae), Labcorp
Classification: Uncertain significance for Myoclonic dystonia 11. Last evaluated: 2022-04-15. Review status: criteria provided, single submitter. Criteria: Invitae Variant Classification Sherloc (09022015). Collection method: clinical testing. Allele origin: germline.
Comment: In summary, the available evidence is currently insufficient to determine the role of this variant in disease. Therefore, it has been classified as a Variant of Uncertain Significance. Algorithms developed to predict the effect of missense changes on protein structure and function are either unavailable or do not agree on the potential impact of this missense change (SIFT: "Deleterious"; PolyPhen-2: "Possibly Damaging"; Align-GVGD: "Class C0"). This variant has not been reported in the literature in individuals affected with SGCE-related conditions. This variant is not present in population databases (gnomAD no frequency). This sequence change replaces leucine, which is neutral and non-polar, with serine, which is neutral and polar, at codon 401 of the SGCE protein (p.Leu401Ser).

NM_003919.3(SGCE):c.1202T>C (p.Leu401Ser)

Genes: CASD1 (CAS1 domain sialic acid O acetyltransferase 1; plus strand), SGCE (sarcoglycan epsilon; minus strand). Cytogenetic location: 7q21.3.
Variant type: single nucleotide variant.
Coding change: c.1202T>C on transcript NM_003919.3 (MANE Select); coding-DNA position 1202, T replaced by C.
Protein change: p.Leu401Ser; replaces leucine 401 with serine.
Molecular consequence: missense variant.
Genome position (GRCh38, 1-based): chr7:94,598,826, A>G on the plus strand (T>C on the coding strand, the complement: SGCE is on the minus strand). VCF-style: chr7-94598826-A-G. GRCh37 (hg19) VCF-style: chr7-94228138-A-G.
Other names: c.1175T>C, p.Leu392Ser (NM_001099400.2, NM_001346717.2); c.1202T>C, p.Leu401Ser (NM_001099401.2); c.1079T>C, p.Leu360Ser (NM_001301139.2); c.1310T>C, p.Leu437Ser (NM_001346713.2); c.1283T>C, p.Leu428Ser (NM_001346715.2); c.1115T>C, p.Leu372Ser (NM_001346719.2); c.929T>C, p.Leu310Ser (NM_001346720.2); c.1088T>C, p.Leu363Ser (NM_001362807.2); and 2 more; short protein forms L301S, L310S, L360S, L437S, L372S, L401S, L351S, L363S.
Identifiers: ClinVar variation 2123764 (VCV002123764.4), dbSNP rs2484922252, ClinGen allele CA368228921.
Genomic context (GRCh38, chr7:94,598,826, plus strand): 5'-GACACTTACTGCTGCGTTTGCATCAATGGCATGTTTGTGCTATCATAGTTGTCTGTGTGT[A>G]AAGGAGGTATGATTTCCCCAGTCACAGGGTGGAACACAGGAAGCGTTGACAGGGGCCATG-3'
Protein context (NP_003910.1, residues 391-411): HPVTGEIIPP[Leu401Ser]HTDNYDSTNM